The following is an entry in ClinVar:

ClinVar aggregate classification (germline): Uncertain significance (1 of 4 stars; one submission).

Submission:

Labcorp Genetics (formerly Invitae), Labcorp
Classification: Uncertain significance. Last evaluated: 2022-10-07. Review status: criteria provided, single submitter. Criteria: Invitae Variant Classification Sherloc (09022015). Collection method: clinical testing. Allele origin: germline.
Comment: In summary, the available evidence is currently insufficient to determine the role of this variant in disease. Therefore, it has been classified as a Variant of Uncertain Significance. This sequence change replaces aspartic acid, which is acidic and polar, with glycine, which is neutral and non-polar, at codon 484 of the DRP2 protein (p.Asp484Gly). This variant is not present in population databases (gnomAD no frequency). This variant has not been reported in the literature in individuals affected with DRP2-related conditions. Algorithms developed to predict the effect of missense changes on protein structure and function (SIFT, PolyPhen-2, Align-GVGD) all suggest that this variant is likely to be disruptive. Algorithms developed to predict the effect of sequence changes on RNA splicing suggest that this variant may create or strengthen a splice site.

NM_001939.3(DRP2):c.1451A>G (p.Asp484Gly)

Gene: DRP2 (dystrophin related protein 2; plus strand). Cytogenetic location: Xq22.1.
Variant type: single nucleotide variant.
Coding change: c.1451A>G on transcript NM_001939.3 (MANE Select); coding-DNA position 1451, A replaced by G.
Protein change: p.Asp484Gly; replaces aspartic acid 484 with glycine.
Molecular consequence: missense variant.
Genome position (GRCh38, 1-based): chrX:101,248,287, A>G. VCF-style: chrX-101248287-A-G. GRCh37 (hg19) VCF-style: chrX-100503276-A-G.
Other names: c.1217A>G, p.Asp406Gly (NM_001171184.2); short protein forms D406G, D484G.
Identifiers: ClinVar variation 1721093 (VCV001721093.5), dbSNP rs2520278117, ClinGen allele CA413926843.